The following is an entry in ClinVar:

NM_004655.4(AXIN2):c.1640G>C (p.Ser547Thr)

Gene: AXIN2 (axin 2; minus strand). Cytogenetic location: 17q24.1.
Variant type: single nucleotide variant.
Coding change: c.1640G>C on transcript NM_004655.4 (MANE Select); coding-DNA position 1640, G replaced by C.
Protein change: p.Ser547Thr; replaces serine 547 with threonine.
Molecular consequence: missense variant.
Genome position (GRCh38, 1-based): chr17:65,537,396, C>G on the plus strand (G>C on the coding strand, the complement: AXIN2 is on the minus strand). VCF-style: chr17-65537396-C-G. GRCh37 (hg19) VCF-style: chr17-63533514-C-G.
Other names: c.1640G>C (LRG_296t1); c.1640G>C, p.Ser547Thr (NM_001363813.1); short protein forms S547T.
Identifiers: ClinVar variation 464562 (VCV000464562.7), dbSNP rs764903794, ClinGen allele CA400677052.

ClinVar aggregate classification (germline): Conflicting classifications of pathogenicity. Review status: criteria provided, conflicting classifications (1 of 4 stars). 2 submissions from 2 submitters: Uncertain significance (1); Likely benign (1). Last evaluated 2026-03-23.

Conditions:
Hereditary cancer-predisposing syndrome. Also called: Tumor predisposition; Hereditary neoplastic syndrome; Neoplastic Syndromes, Hereditary; Hereditary Cancer Syndrome. Identifiers: Orphanet 140162, MedGen C0027672, MeSH D009386, MONDO:0015356.
Oligodontia-cancer predisposition syndrome. Also called: TOOTH AGENESIS-COLORECTAL CANCER SYNDROME. Identifiers: Orphanet 300576, MedGen C1837750, MONDO:0012075, OMIM 608615. Disease mechanism: loss of function.

Allele frequency attached by ClinVar (database versions not stated): gnomAD exomes below 0.00001.
gnomAD v4.1: 1 of 1,614,104 alleles (0.000062%); highest among the groups gnomAD compares: Non-Finnish European, 0.000085%; no homozygotes.

Submissions (2):

Ambry Genetics
Classification: Likely benign for Hereditary cancer-predisposing syndrome. Last evaluated: 2026-03-23. Review status: criteria provided, single submitter. Criteria: Ambry Variant Classification Scheme 2023. Collection method: clinical testing. Allele origin: germline.

Labcorp Genetics (formerly Invitae), Labcorp
Classification: Uncertain significance for Oligodontia-cancer predisposition syndrome. Last evaluated: 2021-10-07. Review status: criteria provided, single submitter. Criteria: Invitae Variant Classification Sherloc (09022015). Collection method: clinical testing. Allele origin: germline.
Comment: In summary, the available evidence is currently insufficient to determine the role of this variant in disease. Therefore, it has been classified as a Variant of Uncertain Significance. Algorithms developed to predict the effect of missense changes on protein structure and function output the following: SIFT: "Tolerated"; PolyPhen-2: "Benign"; Align-GVGD: "Class C0". The threonine amino acid residue is found in multiple mammalian species, which suggests that this missense change does not adversely affect protein function. This variant has not been reported in the literature in individuals affected with AXIN2-related conditions. This variant is not present in population databases (ExAC no frequency). This sequence change replaces serine with threonine at codon 547 of the AXIN2 protein (p.Ser547Thr). The serine residue is weakly conserved and there is a small physicochemical difference between serine and threonine.